The following is an entry in ClinVar:

ClinVar aggregate classification (germline): Likely benign. Review status: criteria provided, multiple submitters, no conflicts (2 of 4 stars). 2 submissions from 2 submitters: Likely benign (2). Last evaluated 2024-12-23.

Conditions:
FLNB-related disorder. Also called: FLNB-related condition; FLNB-related disorders. Identifiers: MedGen CN381095.

gnomAD v4.1: 5 of 1,614,100 alleles (0.00031%); highest among the groups gnomAD compares: African/African-American, 0.0013%; no homozygotes.

Submissions (2):

Labcorp Genetics (formerly Invitae), Labcorp
Classification: Likely benign. Last evaluated: 2024-12-23. Review status: criteria provided, single submitter. Criteria: Invitae Variant Classification Sherloc (09022015). Collection method: clinical testing. Allele origin: germline.

PreventionGenetics, part of Exact Sciences
Classification: Likely benign for FLNB-related condition. Last evaluated: 2024-11-19. Review status: criteria provided, single submitter. Criteria: ACMG Guidelines, 2015. Collection method: clinical testing. Allele origin: germline.
Comment: This variant is classified as likely benign based on ACMG/AMP sequence variant interpretation guidelines (Richards et al. 2015 PMID: 25741868, with internal and published modifications).

NM_001457.4(FLNB):c.1148-4G>A

Gene: FLNB (filamin B; plus strand). Cytogenetic location: 3p14.3.
Variant type: single nucleotide variant.
Coding change: c.1148-4G>A on transcript NM_001457.4 (MANE Select); 4 bases into the intron before coding-DNA position 1148, G replaced by A.
Molecular consequence: intron variant.
Genome position (GRCh38, 1-based): chr3:58,098,707, G>A. VCF-style: chr3-58098707-G-A. GRCh37 (hg19) VCF-style: chr3-58084434-G-A.
Other names: c.1148-4G>A (NM_001457.3, NM_001164317.2, NM_001164318.2 and 1 more transcripts).
Identifiers: ClinVar variation 2876418 (VCV002876418.4), dbSNP rs771120650, ClinGen allele CA2577803960.